The following is an entry in ClinVar:

NM_000214.3(JAG1):c.3329A>G (p.Asn1110Ser)

Gene: JAG1 (jagged canonical Notch ligand 1; minus strand). Cytogenetic location: 20p12.2.
Variant type: single nucleotide variant.
Coding change: c.3329A>G on transcript NM_000214.3 (MANE Select); coding-DNA position 3329, A replaced by G.
Protein change: p.Asn1110Ser; replaces asparagine 1110 with serine.
Molecular consequence: missense variant.
Genome position (GRCh38, 1-based): chr20:10,639,826, T>C on the plus strand (A>G on the coding strand, the complement: JAG1 is on the minus strand). VCF-style: chr20-10639826-T-C. GRCh37 (hg19) VCF-style: chr20-10620474-T-C.
Other names: short protein forms N1110S.
Identifiers: ClinVar variation 1047239 (VCV001047239.15), dbSNP rs150811951, ClinGen allele CA9764223.

ClinVar aggregate classification (germline): Conflicting classifications of pathogenicity. Review status: criteria provided, conflicting classifications (1 of 4 stars). 6 submissions from 6 submitters: Uncertain significance (3); Likely benign (2). 1 of the submissions does not count toward it. Last evaluated 2026-04-01.

Conditions:
Retinal dystrophy. Also called: Inherited retinal dystrophy. Identifiers: Orphanet 71862, MedGen C0854723, MeSH D058499, MONDO:0019118, HP:0000556.
Cardiovascular phenotype. Identifiers: MedGen CN230736.
Deafness, congenital heart defects, and posterior embryotoxon (DCHE). Identifiers: MedGen C1866053, MONDO:0060713, OMIM 617992.
Tetralogy of Fallot (TOF). Identifiers: Orphanet 3303, MedGen C0039685, MONDO:0008542, OMIM 187500, HP:0001636.
Charcot-Marie-Tooth disease, axonal, Type 2HH. Also called: CHARCOT-MARIE-TOOTH NEUROPATHY, TYPE 2HH. Identifiers: MedGen C5562003, MONDO:0030458, OMIM 619574.
Alagille syndrome due to a JAG1 point mutation. Also called: HEPATIC DUCTULAR HYPOPLASIA, SYNDROMATIC; Alagille Syndrome 1; JAG1-Related Alagille Syndrome. Identifiers: Orphanet 261619, Orphanet 52, MedGen C1956125, MONDO:0016862, OMIM 118450.

Allele frequency attached by ClinVar (database versions not stated): TOPMed 0.00002.
gnomAD v4.1: 42 of 1,614,208 alleles (0.0026%); highest among the groups gnomAD compares: Middle Eastern, 0.082%; 1 homozygote.

Submissions (6):

CeGaT Center for Human Genetics Tuebingen
Classification: Uncertain significance. Last evaluated: 2026-04-01. Review status: criteria provided, single submitter. Criteria: CeGaT Center For Human Genetics Tuebingen Variant Classification Criteria Version 2. Collection method: clinical testing. Allele origin: germline. Affected: yes. Observed: 1 variant allele.

Labcorp Genetics (formerly Invitae), Labcorp
Classification: Likely benign for Alagille syndrome due to a JAG1 point mutation. Last evaluated: 2025-10-13. Review status: criteria provided, single submitter. Criteria: Invitae Variant Classification Sherloc (09022015). Collection method: clinical testing. Allele origin: germline.

Blueprint Genetics
Classification: Likely benign. Last evaluated: 2023-09-07. Review status: criteria provided, single submitter. Criteria: ACMG Guidelines, 2015. Collection method: clinical testing. Allele origin: germline.

Fulgent Genetics
Classification: Uncertain significance for Alagille syndrome due to a JAG1 point mutation; Tetralogy of Fallot; Deafness, congenital heart defects, and posterior embryotoxon; Charcot-Marie-Tooth disease, axonal, Type 2HH. Last evaluated: 2022-05-20. Review status: criteria provided, single submitter. Criteria: ACMG Guidelines, 2015. Collection method: clinical testing. Allele origin: unknown.

Ambry Genetics
Classification: Uncertain significance for Cardiovascular phenotype. Last evaluated: 2022-03-04. Review status: criteria provided, single submitter. Criteria: Ambry Variant Classification Scheme 2023. Collection method: clinical testing. Allele origin: germline.
Comment: The p.N1110S variant (also known as c.3329A>G), located in coding exon 26 of the JAG1 gene, results from an A to G substitution at nucleotide position 3329. The asparagine at codon 1110 is replaced by serine, an amino acid with highly similar properties. This amino acid position is conserved. In addition, this alteration is predicted to be tolerated by in silico analysis. Since supporting evidence is limited at this time, the clinical significance of this alteration remains unclear.

Institute of Human Genetics, Univ. Regensburg, Univ. Regensburg
Classification: Uncertain significance for Retinal dystrophy. Last evaluated: 2022-01-01. Review status: no assertion criteria provided. Criteria: ACMG Guidelines, 2015. Collection method: clinical testing. Allele origin: germline. Affected: yes. Not counted in ClinVar's aggregate classification.